The following is an entry in ClinVar:

ClinVar aggregate classification (germline): Pathogenic/Likely pathogenic. Review status: criteria provided, multiple submitters, no conflicts (2 of 4 stars). 7 submissions from 7 submitters: Pathogenic (2); Likely pathogenic (5). Last evaluated 2025-12-26.

Conditions:
ACADM-related disorder. Also called: ACADM-related condition.
Medium-chain acyl-coenzyme A dehydrogenase deficiency (ACADMD). Also called: MCADD; Medium chain acyl-CoA dehydrogenase deficiency; MCAD Deficiency; ACADM DEFICIENCY; CARNITINE DEFICIENCY SECONDARY TO MEDIUM-CHAIN ACYL-CoA DEHYDROGENASE DEFICIENCY; MCADH DEFICIENCY. Identifiers: Orphanet 42, MedGen C0220710, MONDO:0008721, OMIM 201450.

Allele frequency attached by ClinVar (database versions not stated): gnomAD exomes below 0.00001; TOPMed below 0.00001; gnomAD 0.00001.

Submissions (7):

Natera, Inc.
Classification: Likely pathogenic for Medium Chain Acyl-CoA Dehydrogenase Deficiency. Last evaluated: 2025-12-26. Review status: criteria provided, single submitter. Criteria: Natera Variant Classification Schema (03/2026). Collection method: clinical testing. Allele origin: germline.
Comment: The c.464T>C variant in ACADM is a missense variant predicted to cause substitution of methionine to threonine at amino acid 155. This variant is rare in the general population with a frequency below the threshold expected for the associated phenotype(s). This variant has been observed in one or more individuals affected with the associated recessive disease, as either homozygous or compound heterozygous with a second variant (PMID: 31836396, 23028790). Computational prediction algorithms indicate this variant is likely to affect gene or protein function. Given the available evidence, this variant is classified as Likely Pathogenic.

Labcorp Genetics (formerly Invitae), Labcorp
Classification: Pathogenic for Medium-chain acyl-coenzyme A dehydrogenase deficiency. Last evaluated: 2024-02-07. Review status: criteria provided, single submitter. Criteria: Invitae Variant Classification Sherloc (09022015). Collection method: clinical testing. Allele origin: germline.
Comment: This sequence change replaces methionine, which is neutral and non-polar, with threonine, which is neutral and polar, at codon 155 of the ACADM protein (p.Met155Thr). This variant is present in population databases (no rsID available, gnomAD 0.007%). This missense change has been observed in individual(s) with Medium-chain acyl-coenzyme A dehydrogenase deficiency (PMID: 15171998, 23028790; Invitae). ClinVar contains an entry for this variant (Variation ID: 226106). Advanced modeling of protein sequence and biophysical properties (such as structural, functional, and spatial information, amino acid conservation, physicochemical variation, residue mobility, and thermodynamic stability) performed at Invitae indicates that this missense variant is not expected to disrupt ACADM protein function with a negative predictive value of 80%. For these reasons, this variant has been classified as Pathogenic.

Baylor Genetics
Classification: Likely pathogenic for Medium-chain acyl-coenzyme A dehydrogenase deficiency. Last evaluated: 2024-01-13. Review status: criteria provided, single submitter. Criteria: ACMG Guidelines, 2015. Collection method: clinical testing. Allele origin: unknown.

Blueprint Genetics
Classification: Likely pathogenic for ACADM-related disorders. Last evaluated: 2023-08-12. Review status: criteria provided, single submitter. Criteria: ACMG Guidelines, 2015. Collection method: clinical testing. Allele origin: germline. Affected: yes. Observed: 2 variant alleles.

GeneDx
Classification: Likely pathogenic. Last evaluated: 2022-02-03. Review status: criteria provided, single submitter. Criteria: GeneDx Variant Classification Process June 2021. Collection method: clinical testing. Allele origin: germline. Affected: yes.
Comment: Not observed at significant frequency in large population cohorts (gnomAD); This variant is associated with the following publications: (PMID: 23028790, 15171998, 33580884)

Myriad Genetics, Inc.
Classification: Likely pathogenic for Medium-chain acyl-coenzyme A dehydrogenase deficiency. Last evaluated: 2021-11-11. Review status: criteria provided, single submitter. Criteria: Myriad Women's Health Autosomal Recessive and X-Linked Classification Criteria (2021). Collection method: clinical testing. Allele origin: unknown.
Comment: NM_000016.4(ACADM):c.464T>C(M155T) is a missense variant classified as likely pathogenic in the context of medium chain acyl-CoA dehydrogenase deficiency. M155T has been observed in cases with relevant disease (PMID: 15171998, 23028790, 31836396, 33580884, Neumann_2020_(no PMID; thesis)). Functional assessments of this variant are not available in the literature. M155T has been observed in population frequency databases (gnomAD: NFE 0.01%). In summary, NM_000016.4(ACADM):c.464T>C(M155T) is a missense variant that has been observed more frequently in cases with the relevant disease than in healthy populations.

ARUP Laboratories, Molecular Genetics and Genomics, ARUP Laboratories
Classification: Pathogenic for Medium-chain acyl-coenzyme A dehydrogenase deficiency. Last evaluated: 2015-02-20. Review status: criteria provided, single submitter. Criteria: ACMG Guidelines, 2015. Collection method: clinical testing. Allele origin: germline. Inheritance: Autosomal recessive inheritance. Observed: 1 heterozygote.

Literature cited by the submitters: PubMed 31836396 (cited by Natera, Inc. and Myriad Genetics, Inc.); PubMed 23028790 (cited by 3 submitters); PubMed 15171998 (cited by Labcorp Genetics (formerly Invitae), Labcorp and Myriad Genetics, Inc.); PubMed 33580884 (cited by Myriad Genetics, Inc.).

NM_000016.6(ACADM):c.464T>C (p.Met155Thr)

Gene: ACADM (acyl-CoA dehydrogenase medium chain; plus strand). Cytogenetic location: 1p31.1.
Variant type: single nucleotide variant.
Coding change: c.464T>C on transcript NM_000016.6 (MANE Select); coding-DNA position 464, T replaced by C.
Protein change: p.Met155Thr; replaces methionine 155 with threonine.
Molecular consequence: missense variant. On other transcripts: intron variant (1).
Genome position (GRCh38, 1-based): chr1:75,734,867, T>C. VCF-style: chr1-75734867-T-C. GRCh37 (hg19) VCF-style: chr1-76200552-T-C.
Other names: c.464T>C (NM_000016.5); c.476T>C, p.Met159Thr (NM_001127328.3); c.356T>C, p.Met119Thr (NM_001286042.2); c.563T>C, p.Met188Thr (NM_001286043.2); c.-100+1945T>C (NM_001286044.2); short protein forms M155T, M159T, M188T, M119T.
Identifiers: ClinVar variation 226106 (VCV000226106.21), dbSNP rs875989876, ClinGen allele CA10576228.